The following is an entry in ClinVar:

NM_015338.6(ASXL1):c.1961C>T (p.Ala654Val)

Gene: ASXL1 (ASXL transcriptional regulator 1; plus strand). Cytogenetic location: 20q11.21.
Variant type: single nucleotide variant.
Coding change: c.1961C>T on transcript NM_015338.6 (MANE Select); coding-DNA position 1961, C replaced by T.
Protein change: p.Ala654Val; replaces alanine 654 with valine.
Molecular consequence: missense variant.
Genome position (GRCh38, 1-based): chr20:32,434,673, C>T. VCF-style: chr20-32434673-C-T. GRCh37 (hg19) VCF-style: chr20-31022476-C-T.
Other names: c.1778C>T, p.Ala593Val (NM_001363734.1); short protein forms A593V, A654V.
Identifiers: ClinVar variation 4158875 (VCV004158875.1).

ClinVar aggregate classification (germline): Uncertain significance (1 of 4 stars; one submission).

Conditions:
Inborn genetic diseases. Identifiers: MedGen C0950123, MeSH D030342.

gnomAD v4.1: 1 of 1,600,896 alleles (0.000062%); highest among the groups gnomAD compares: East Asian, 0.0023%; no homozygotes.

Submission:

Ambry Genetics
Classification: Uncertain significance for Inborn genetic diseases. Last evaluated: 2025-08-11. Review status: criteria provided, single submitter. Criteria: Ambry Variant Classification Scheme 2023. Collection method: clinical testing. Allele origin: germline.
Comment: The p.A654V variant (also known as c.1961C>T), located in coding exon 13 of the ASXL1 gene, results from a C to T substitution at nucleotide position 1961. The alanine at codon 654 is replaced by valine, an amino acid with similar properties. This amino acid position is conserved. In addition, this alteration is predicted to be tolerated by in silico analysis. Based on the available evidence, the clinical significance of this variant remains unclear.